The following is an entry in ClinVar:

ClinVar aggregate classification (germline): Uncertain significance (1 of 4 stars; one submission).

Conditions:
Agammaglobulinemia 6, autosomal recessive (AGM6). Also called: AGAMMAGLOBULINEMIA 6; AGAMMAGLOBULINEMIA, AUTOSOMAL RECESSIVE, DUE TO CD79B DEFECT. Identifiers: MedGen C3150207, MONDO:0012987, OMIM 612692.

gnomAD v4.1: 5 of 1,613,810 alleles (0.00031%); highest among the groups gnomAD compares: Admixed American, 0.0083%; no homozygotes.

Submission:

Labcorp Genetics (formerly Invitae), Labcorp
Classification: Uncertain significance for Agammaglobulinemia 6, autosomal recessive. Last evaluated: 2024-10-17. Review status: criteria provided, single submitter. Criteria: Invitae Variant Classification Sherloc (09022015). Collection method: clinical testing. Allele origin: germline.
Comment: This sequence change falls in intron 2 of the CD79B gene. It does not directly change the encoded amino acid sequence of the CD79B protein. It affects a nucleotide within the consensus splice site. This variant is present in population databases (rs766169832, gnomAD 0.01%). This variant has not been reported in the literature in individuals affected with CD79B-related conditions. Variants that disrupt the consensus splice site are a relatively common cause of aberrant splicing (PMID: 17576681, 9536098). Algorithms developed to predict the effect of sequence changes on RNA splicing suggest that this variant is not likely to affect RNA splicing. In summary, the available evidence is currently insufficient to determine the role of this variant in disease. Therefore, it has been classified as a Variant of Uncertain Significance.

Literature cited by the submitters: PubMed 17576681; PubMed 9536098.

NM_000626.4(CD79B):c.118+3C>T

Genes: CD79B (CD79b molecule; minus strand), GH-LCR (growth hormone locus control region; plus strand). Cytogenetic location: 17q23.3.
Variant type: single nucleotide variant.
Coding change: c.118+3C>T on transcript NM_000626.4 (MANE Select); 3 bases into the intron after coding-DNA position 118, C replaced by T.
Molecular consequence: intron variant.
Genome position (GRCh38, 1-based): chr17:63,931,332, G>A on the plus strand (C>T on the coding strand, the complement: CD79B is on the minus strand). VCF-style: chr17-63931332-G-A. GRCh37 (hg19) VCF-style: chr17-62008692-G-A.
Other names: c.118+3C>T (NM_021602.4); c.121+3C>T (NM_001329050.2, NM_001039933.3).
Identifiers: ClinVar variation 3707015 (VCV003707015.2).